The following is an entry in ClinVar:

ClinVar aggregate classification (germline): Conflicting classifications of pathogenicity. Review status: criteria provided, conflicting classifications (1 of 4 stars). 5 submissions from 5 submitters: Uncertain significance (3); Benign (1); Likely benign (1). Last evaluated 2025-12-10.

Conditions:
PIEZO1-related disorder. Also called: PIEZO1-related condition; PIEZO1-Related Disorders.

Allele frequency attached by ClinVar (database versions not stated): 1000 Genomes Project 30x 0.00016; gnomAD exomes 0.00019; 1000 Genomes Project 0.00020; gnomAD 0.00035; TOPMed 0.00045; ExAC 0.00065.
gnomAD v4.1: 320 of 1,548,892 alleles (0.021%); highest among the groups gnomAD compares: African/African-American, 0.056%; no homozygotes.

Submissions (5):

Labcorp Genetics (formerly Invitae), Labcorp
Classification: Benign. Last evaluated: 2025-12-10. Review status: criteria provided, single submitter. Criteria: Invitae Variant Classification Sherloc (09022015). Collection method: clinical testing. Allele origin: germline.

Mayo Clinic Laboratories, Mayo Clinic
Classification: Uncertain significance. Last evaluated: 2023-06-26. Review status: criteria provided, single submitter. Criteria: ACMG Guidelines, 2015. Collection method: clinical testing. Allele origin: germline. Observed: 2 variant alleles.
Comment: BS2, BP4

PreventionGenetics, part of Exact Sciences
Classification: Uncertain significance for PIEZO1-related condition. Last evaluated: 2022-12-02. Review status: criteria provided, single submitter. Criteria: ACMG Guidelines, 2015. Collection method: clinical testing. Allele origin: germline.
Comment: The PIEZO1 c.7007G>A variant is predicted to result in the amino acid substitution p.Arg2336Gln. To our knowledge, this variant has not been reported in the literature. This variant is reported in 0.067% of alleles in individuals of African descent in gnomAD. At this time, the clinical significance of this variant is uncertain due to the absence of conclusive functional and genetic evidence.

CeGaT Center for Human Genetics Tuebingen
Classification: Likely benign. Last evaluated: 2022-06-01. Review status: criteria provided, single submitter. Criteria: CeGaT Center For Human Genetics Tuebingen Variant Classification Criteria Version 2. Collection method: clinical testing. Allele origin: germline. Affected: yes. Observed: 1 variant allele.
Comment: PIEZO1: BP4

ARUP Laboratories, Molecular Genetics and Genomics, ARUP Laboratories
Classification: Uncertain significance. Last evaluated: 2022-05-27. Review status: criteria provided, single submitter. Criteria: ARUP Molecular Germline Variant Investigation Process 2021. Collection method: clinical testing. Allele origin: germline.

NM_001142864.4(PIEZO1):c.7007G>A (p.Arg2336Gln)

Gene: PIEZO1 (piezo type mechanosensitive ion channel component 1 (Er blood group); minus strand). Cytogenetic location: 16q24.3.
Variant type: single nucleotide variant.
Coding change: c.7007G>A on transcript NM_001142864.4 (MANE Select); coding-DNA position 7007, G replaced by A.
Protein change: p.Arg2336Gln; replaces arginine 2336 with glutamine.
Molecular consequence: missense variant.
Genome position (GRCh38, 1-based): chr16:88,716,403, C>T on the plus strand (G>A on the coding strand, the complement: PIEZO1 is on the minus strand). VCF-style: chr16-88716403-C-T. GRCh37 (hg19) VCF-style: chr16-88782811-C-T.
Other names: p.Arg2336Gln; c.5549G>A, p.Arg1850Gln (NM_014745.1); c.7007G>A (NM_001142864.3); short protein forms R1850Q, R2336Q.
Identifiers: ClinVar variation 2428682 (VCV002428682.31), dbSNP rs565307908, ClinGen allele CA8231435.